The following is an entry in ClinVar:

NM_024312.5(GNPTAB):c.1570A>G (p.Asn524Asp)

Gene: GNPTAB (N-acetylglucosamine-1-phosphate transferase subunits alpha and beta; minus strand). Cytogenetic location: 12q23.2.
Variant type: single nucleotide variant.
Coding change: c.1570A>G on transcript NM_024312.5 (MANE Select); coding-DNA position 1570, A replaced by G.
Protein change: p.Asn524Asp; replaces asparagine 524 with aspartic acid.
Molecular consequence: missense variant.
Genome position (GRCh38, 1-based): chr12:101,766,133, T>C on the plus strand (A>G on the coding strand, the complement: GNPTAB is on the minus strand). VCF-style: chr12-101766133-T-C. GRCh37 (hg19) VCF-style: chr12-102159911-T-C.
Other names: short protein forms N524D.
Identifiers: ClinVar variation 527895 (VCV000527895.11), dbSNP rs749452608, ClinGen allele CA6746590.

ClinVar aggregate classification (germline): Uncertain significance. Review status: criteria provided, multiple submitters, no conflicts (2 of 4 stars). 4 submissions from 4 submitters: Uncertain significance (3). 1 of the submissions does not count toward it. Last evaluated 2025-12-21.

Conditions:
Inborn genetic diseases. Identifiers: MedGen C0950123, MeSH D030342.
Mucolipidosis type II. Also called: Mucolipidosis II Alpha/Beta; Mucolipidosis 2; ML 2; Inclusion cell disease; Leroy Disease; N-acetylglucosamine 1phosphotransferase deficiency. Identifiers: Orphanet 576, MedGen C2673377, MONDO:0009650, OMIM 252500.
Pseudo-Hurler polydystrophy. Also called: MUCOLIPIDOSIS IIIA; ML IIIA; Mucolipidosis III Alpha/Beta; Type III Mucolipidosis; ML III; ML III ALPHA/BETA. Identifiers: Orphanet 423461, Orphanet 577, MedGen C0033788, MONDO:0018931, OMIM 252600.

Allele frequency attached by ClinVar (database versions not stated): TOPMed 0.00002; gnomAD 0.00001; ExAC 0.00002; gnomAD exomes 0.00002.

Submissions (4):

Labcorp Genetics (formerly Invitae), Labcorp
Classification: Uncertain significance for Pseudo-Hurler polydystrophy; Mucolipidosis type II. Last evaluated: 2025-12-21. Review status: criteria provided, single submitter. Criteria: Invitae Variant Classification Sherloc (09022015). Collection method: clinical testing. Allele origin: germline.
Comment: This sequence change replaces asparagine, which is neutral and polar, with aspartic acid, which is acidic and polar, at codon 524 of the GNPTAB protein (p.Asn524Asp). This variant is present in population databases (rs749452608, gnomAD 0.004%). This variant has not been reported in the literature in individuals affected with GNPTAB-related conditions. ClinVar contains an entry for this variant (Variation ID: 527895). Invitae Evidence Modeling of protein sequence and biophysical properties (such as structural, functional, and spatial information, amino acid conservation, physicochemical variation, residue mobility, and thermodynamic stability) indicates that this missense variant is expected to disrupt GNPTAB protein function with a positive predictive value of 80%. In summary, the available evidence is currently insufficient to determine the role of this variant in disease. Therefore, it has been classified as a Variant of Uncertain Significance.

Ambry Genetics
Classification: Uncertain significance for Inborn genetic diseases. Last evaluated: 2025-06-23. Review status: criteria provided, single submitter. Criteria: Ambry Variant Classification Scheme 2023. Collection method: clinical testing. Allele origin: germline.

GeneDx
Classification: Uncertain significance. Last evaluated: 2024-08-02. Review status: criteria provided, single submitter. Criteria: GeneDx Variant Classification Process June 2021. Collection method: clinical testing. Allele origin: germline. Affected: yes.
Comment: Not observed at significant frequency in large population cohorts (gnomAD); In silico analysis supports that this missense variant has a deleterious effect on protein structure/function; Has not been previously published as pathogenic or benign to our knowledge

Natera, Inc.
Classification: Uncertain significance for Mucolipidosis type II. Last evaluated: 2019-10-28. Review status: no assertion criteria provided. Collection method: clinical testing. Allele origin: germline. Not counted in ClinVar's aggregate classification.